The following is an entry in ClinVar:

ClinVar aggregate classification (germline): Uncertain significance. Review status: criteria provided, multiple submitters, no conflicts (2 of 4 stars). 2 submissions from 2 submitters: Uncertain significance (2). Last evaluated 2024-02-16.

Allele frequency attached by ClinVar (database versions not stated): gnomAD exomes 0.00005; 1000 Genomes Project 30x 0.00016; 1000 Genomes Project 0.00020.
gnomAD v4.1: 72 of 1,547,826 alleles (0.0047%); highest among the groups gnomAD compares: Non-Finnish European, 0.0057%; no homozygotes.

Submissions (2):

Women's Health and Genetics/Laboratory Corporation of America, LabCorp
Classification: Uncertain significance. Last evaluated: 2024-02-16. Review status: criteria provided, single submitter. Criteria: LabCorp Variant Classification Summary - May 2015. Collection method: clinical testing. Allele origin: germline.
Comment: Variant summary: FGF8 c.92C>A (p.Ala31Glu) results in a non-conservative amino acid change in the encoded protein sequence. Four of five in-silico tools predict a benign effect of the variant on protein function. The variant allele was found at a frequency of 5.4e-05 in 147174 control chromosomes. The available data on variant occurrences in the general population are insufficient to allow any conclusion about variant significance. To our knowledge, no occurrence of c.92C>A in individuals affected with Hypogonadotropic Hypogonadism 6 With Or Without Anosmia and no experimental evidence demonstrating its impact on protein function have been reported. ClinVar contains an entry for this variant (Variation ID: 1402616). Based on the evidence outlined above, the variant was classified as uncertain significance.

Labcorp Genetics (formerly Invitae), Labcorp
Classification: Uncertain significance. Last evaluated: 2022-03-19. Review status: criteria provided, single submitter. Criteria: Invitae Variant Classification Sherloc (09022015). Collection method: clinical testing. Allele origin: germline.
Comment: This sequence change replaces alanine, which is neutral and non-polar, with glutamic acid, which is acidic and polar, at codon 31 of the FGF8 protein (p.Ala31Glu). This variant is present in population databases (rs544494562, gnomAD 0.01%). This variant has not been reported in the literature in individuals affected with FGF8-related conditions. Algorithms developed to predict the effect of missense changes on protein structure and function are either unavailable or do not agree on the potential impact of this missense change (SIFT: "Deleterious"; PolyPhen-2: "Benign"; Align-GVGD: "Class C0"). In summary, the available evidence is currently insufficient to determine the role of this variant in disease. Therefore, it has been classified as a Variant of Uncertain Significance.

NM_033163.5(FGF8):c.92C>A (p.Ala31Glu)

Gene: FGF8 (fibroblast growth factor 8; minus strand). Cytogenetic location: 10q24.32.
Variant type: single nucleotide variant.
Coding change: c.92C>A on transcript NM_033163.5 (MANE Select); coding-DNA position 92, C replaced by A.
Protein change: p.Ala31Glu; replaces alanine 31 with glutamic acid.
Molecular consequence: missense variant. On other transcripts: intron variant (3).
Genome position (GRCh38, 1-based): chr10:101,775,194, G>T on the plus strand (C>A on the coding strand, the complement: FGF8 is on the minus strand). VCF-style: chr10-101775194-G-T. GRCh37 (hg19) VCF-style: chr10-103534951-G-T.
Other names: c.92C>A, p.Ala31Glu (NM_033164.4); c.-123-315C>A (NM_001206389.2); c.70-315C>A (NM_033165.5); c.70-282C>A (NM_006119.6); short protein forms A31E.
Identifiers: ClinVar variation 1402616 (VCV001402616.8), dbSNP rs544494562, ClinGen allele CA5657687.